The following is an entry in ClinVar:

NM_002016.2(FLG):c.4901G>C (p.Arg1634Thr)

Genes: CCDST (cervical cancer associated DHX9 suppressive transcript; plus strand), FLG (filaggrin; minus strand). Cytogenetic location: 1q21.3.
Variant type: single nucleotide variant.
Coding change: c.4901G>C on transcript NM_002016.2 (MANE Select); coding-DNA position 4901, G replaced by C.
Protein change: p.Arg1634Thr; replaces arginine 1634 with threonine.
Molecular consequence: missense variant.
Genome position (GRCh38, 1-based): chr1:152,309,985, C>G on the plus strand (G>C on the coding strand, the complement: FLG is on the minus strand). VCF-style: chr1-152309985-C-G. GRCh37 (hg19) VCF-style: chr1-152282461-C-G.
Other names: short protein forms R1634T.
Identifiers: ClinVar variation 4820897 (VCV004820897.5).

ClinVar aggregate classification (germline): Likely benign. Review status: criteria provided, multiple submitters, no conflicts (2 of 4 stars). 2 submissions from 2 submitters: Likely benign (2). Last evaluated 2026-03-01.

gnomAD v4.1: 1,307 of 1,614,024 alleles (0.081%); highest among the groups gnomAD compares: South Asian, 0.5%; 7 homozygotes.

Submissions (2):

CeGaT Center for Human Genetics Tuebingen
Classification: Likely benign. Last evaluated: 2026-03-01. Review status: criteria provided, single submitter. Criteria: CeGaT Center For Human Genetics Tuebingen Variant Classification Criteria Version 2. Collection method: clinical testing. Allele origin: germline. Affected: yes. Observed: 1 variant allele.
Comment: FLG: BP4

Blueprint Genetics
Classification: Likely benign. Last evaluated: 2024-10-16. Review status: criteria provided, single submitter. Criteria: ACMG Guidelines, 2015. Collection method: clinical testing. Allele origin: germline.